The following is an entry in ClinVar:

ClinVar aggregate classification (germline): Benign/Likely benign. Review status: criteria provided, multiple submitters, no conflicts (2 of 4 stars). 6 submissions from 6 submitters: Benign (2); Likely benign (2). 2 of the submissions do not count toward it. Last evaluated 2026-02-01.

Conditions:
ETFDH-related disorder. Also called: ETFDH-related condition.
Multiple acyl-CoA dehydrogenase deficiency (MADD). Also called: Glutaric aciduria, type 2; ETHYLMALONIC-ADIPICACIDURIA; GA II; Glutaric acidemia type II; GA 2; Glutaric Acidemia type 2. Identifiers: Orphanet 26791, MedGen C0268596, MONDO:0009282, OMIM 231680.

Allele frequency attached by ClinVar (database versions not stated): gnomAD exomes 0.00010 and 0.00027; ExAC 0.00029; ESP Exome Variant Server 0.00054; gnomAD 0.00098 and 0.00103; TOPMed 0.00116; 1000 Genomes Project 30x 0.00141; 1000 Genomes Project 0.00160.
gnomAD v4.1: 305 of 1,613,374 alleles (0.019%); highest among the groups gnomAD compares: African/African-American, 0.37%; no homozygotes.

Submissions (6):

Labcorp Genetics (formerly Invitae), Labcorp
Classification: Benign for Multiple acyl-CoA dehydrogenase deficiency. Last evaluated: 2026-02-01. Review status: criteria provided, single submitter. Criteria: Invitae Variant Classification Sherloc (09022015). Collection method: clinical testing. Allele origin: germline.

Blueprint Genetics
Classification: Likely benign. Last evaluated: 2023-06-16. Review status: criteria provided, single submitter. Criteria: ACMG Guidelines, 2015. Collection method: clinical testing. Allele origin: germline.

GeneDx
Classification: Likely benign. Last evaluated: 2021-04-23. Review status: criteria provided, single submitter. Criteria: GeneDx Variant Classification Process June 2021. Collection method: clinical testing. Allele origin: germline. Affected: yes.

Illumina Laboratory Services, Illumina
Classification: Benign for Multiple acyl-CoA dehydrogenase deficiency. Last evaluated: 2017-04-28. Review status: criteria provided, single submitter. Criteria: ICSL Variant Classification Criteria 13 December 2019. Collection method: clinical testing. Allele origin: germline.
Comment: This variant was observed as part of a predisposition screen in an ostensibly healthy population. A literature search was performed for the gene, cDNA change, and amino acid change (where applicable). No publications were found based on this search. Allele frequency data from public databases was too high to be consistent with this variant causing disease. Therefore, this variant is classified as benign.

PreventionGenetics, part of Exact Sciences
Classification: Likely benign for ETFDH-related condition. Last evaluated: 2020-01-13. Review status: no assertion criteria provided. Collection method: clinical testing. Allele origin: germline. Not counted in ClinVar's aggregate classification.
Comment: This variant is classified as likely benign based on ACMG/AMP sequence variant interpretation guidelines (Richards et al. 2015 PMID: 25741868, with internal and published modifications).

Mayo Clinic Laboratories, Mayo Clinic
Classification: Likely benign. Last evaluated: 2017-09-18. Review status: no assertion criteria provided. Collection method: clinical testing. Allele origin: unknown. Not counted in ClinVar's aggregate classification.

NM_004453.4(ETFDH):c.1812G>A (p.Val604=)

Gene: ETFDH (electron transfer flavoprotein dehydrogenase; plus strand). Cytogenetic location: 4q32.1.
Variant type: single nucleotide variant.
Coding change: c.1812G>A on transcript NM_004453.4 (MANE Select); coding-DNA position 1812, G replaced by A.
Protein change: p.Val604=; no amino-acid change (valine 604 retained).
Molecular consequence: synonymous variant.
Genome position (GRCh38, 1-based): chr4:158,708,485, G>A. VCF-style: chr4-158708485-G-A. GRCh37 (hg19) VCF-style: chr4-159629637-G-A.
Other names: c.1671G>A, p.Val557= (NM_001281737.2); c.1629G>A, p.Val543= (NM_001281738.1).
Identifiers: ClinVar variation 516413 (VCV000516413.24), dbSNP rs17843967, ClinGen allele CA3122729.